The following is an entry in ClinVar:

ClinVar aggregate classification (germline): Likely pathogenic (1 of 4 stars; one submission).

Conditions:
Jeune thoracic dystrophy. Also called: Short-rib thoracic dysplasia; Jeune syndrome; Infantile thoracic dystrophy; Thoracic pelvic phalangeal dystrophy; Jeune's syndrome; Chondroectodermal dysplasia-like syndrome. Identifiers: Orphanet 474, MedGen C0265275, MONDO:0018770.

Submission:

Labcorp Genetics (formerly Invitae), Labcorp
Classification: Likely pathogenic for Jeune thoracic dystrophy. Last evaluated: 2023-09-25. Review status: criteria provided, single submitter. Criteria: Invitae Variant Classification Sherloc (09022015). Collection method: clinical testing. Allele origin: germline.
Comment: This variant results in the deletion of part of exon 14 and exons 15-18 (c.1419_2099+2445del) of the IFT80 gene. It is expected to disrupt RNA splicing. Variants that disrupt the donor or acceptor splice site typically lead to a loss of protein function (PMID: 16199547), and loss-of-function variants in IFT80 are known to be pathogenic (PMID: 21227999, 23339108, 29068549). This variant has not been reported in the literature in individuals affected with IFT80-related conditions. This variant disrupts a region of the IFT80 protein in which other variant(s) (p.Leu521Phe) have been observed in individuals with IFT80-related conditions (PMID: 29068549). This suggests that this is a clinically significant region of the protein, and that variants that disrupt it are likely to be disease-causing. In summary, the currently available evidence indicates that the variant is pathogenic, but additional data are needed to prove that conclusively. Therefore, this variant has been classified as Likely Pathogenic.

Literature cited by the submitters: PubMed 16199547; PubMed 21227999; PubMed 23339108; PubMed 29068549.

NC_000003.11:g.(?_159992649)_(160000363_?)del

Gene: IFT80 (intraflagellar transport 80; minus strand). Cytogenetic location: 3q25.33.
Variant type: Deletion.
Identifiers: ClinVar variation 2426602 (VCV002426602.4).